The following is an entry in ClinVar:

NM_032806.6(POMGNT2):c.1085T>C (p.Val362Ala)

Gene: POMGNT2 (protein O-linked mannose N-acetylglucosaminyltransferase 2 (beta 1,4-); minus strand). Cytogenetic location: 3p22.1.
Variant type: single nucleotide variant.
Coding change: c.1085T>C on transcript NM_032806.6 (MANE Select); coding-DNA position 1085, T replaced by C.
Protein change: p.Val362Ala; replaces valine 362 with alanine.
Molecular consequence: missense variant.
Genome position (GRCh38, 1-based): chr3:43,080,347, A>G on the plus strand (T>C on the coding strand, the complement: POMGNT2 is on the minus strand). VCF-style: chr3-43080347-A-G. GRCh37 (hg19) VCF-style: chr3-43121839-A-G.
Other names: short protein forms V362A.
Identifiers: ClinVar variation 2819376 (VCV002819376.3), dbSNP rs2528895740, ClinGen allele CA352301885.
Genomic context (GRCh38, chr3:43,080,347, plus strand): 5'-ATGGCCAGCGTCTTATAGGGAGTGTAGTGGTCGGGATTGACAGCATATGGGAAGAGCTCT[A>G]CCACAGTTGCCCCACGGGGCAGGAAGAGGGTGGTGACCAGCTGGGCCCCATGCATGCTGA-3'
Protein context (NP_116195.2, residues 352-372): TLFLPRGATV[Val362Ala]ELFPYAVNPD

ClinVar aggregate classification (germline): Uncertain significance (1 of 4 stars; one submission).

Conditions:
Muscular dystrophy-dystroglycanopathy (congenital with brain and eye anomalies), type a, 8 (MDDGA8). Also called: WALKER-WARBURG SYNDROME OR MUSCLE-EYE-BRAIN DISEASE, GTDC2-RELATED. Identifiers: Orphanet 899, MedGen C3553813, MONDO:0013904, OMIM 614830.

Submission:

Labcorp Genetics (formerly Invitae), Labcorp
Classification: Uncertain significance for Muscular dystrophy-dystroglycanopathy (congenital with brain and eye anomalies), type a, 8. Last evaluated: 2022-12-14. Review status: criteria provided, single submitter. Criteria: Invitae Variant Classification Sherloc (09022015). Collection method: clinical testing. Allele origin: germline.
Comment: In summary, the available evidence is currently insufficient to determine the role of this variant in disease. Therefore, it has been classified as a Variant of Uncertain Significance. This sequence change replaces valine, which is neutral and non-polar, with alanine, which is neutral and non-polar, at codon 362 of the POMGNT2 protein (p.Val362Ala). This variant is not present in population databases (gnomAD no frequency). This variant has not been reported in the literature in individuals affected with POMGNT2-related conditions. Advanced modeling of protein sequence and biophysical properties (such as structural, functional, and spatial information, amino acid conservation, physicochemical variation, residue mobility, and thermodynamic stability) performed at Invitae indicates that this missense variant is not expected to disrupt POMGNT2 protein function.